The following is an entry in ClinVar:

ClinVar aggregate classification (germline): Uncertain significance (1 of 4 stars; one submission).

Conditions:
Baller-Gerold syndrome (BGS). Also called: CRANIOSYNOSTOSIS WITH RADIAL DEFECTS. Identifiers: Orphanet 1225, MedGen C0265308, MONDO:0009039, OMIM 218600.

Submission:

Labcorp Genetics (formerly Invitae), Labcorp
Classification: Uncertain significance for Baller-Gerold syndrome. Last evaluated: 2023-09-01. Review status: criteria provided, single submitter. Criteria: Invitae Variant Classification Sherloc (09022015). Collection method: clinical testing. Allele origin: germline.
Comment: This sequence change falls in intron 12 of the RECQL4 gene. It does not directly change the encoded amino acid sequence of the RECQL4 protein. It affects a nucleotide within the consensus splice site. This variant is not present in population databases (gnomAD no frequency). This variant has not been reported in the literature in individuals affected with RECQL4-related conditions. Variants that disrupt the consensus splice site are a relatively common cause of aberrant splicing (PMID: 17576681, 9536098). Algorithms developed to predict the effect of sequence changes on RNA splicing suggest that this variant is not likely to affect RNA splicing. In summary, the available evidence is currently insufficient to determine the role of this variant in disease. Therefore, it has been classified as a Variant of Uncertain Significance.

Literature cited by the submitters: PubMed 17576681; PubMed 9536098.

NM_004260.4(RECQL4):c.2059-3C>T

Gene: RECQL4 (RecQ like helicase 4; minus strand). Cytogenetic location: 8q24.3.
Variant type: single nucleotide variant.
Coding change: c.2059-3C>T on transcript NM_004260.4 (MANE Select); 3 bases into the intron before coding-DNA position 2059, C replaced by T.
Molecular consequence: intron variant.
Genome position (GRCh38, 1-based): chr8:144,513,715, G>A on the plus strand (C>T on the coding strand, the complement: RECQL4 is on the minus strand). VCF-style: chr8-144513715-G-A. GRCh37 (hg19) VCF-style: chr8-145739099-G-A.
Other names: c.2059-3C>T (NM_001413036.1, NM_001413019.1, NM_001413018.1); c.988-3C>T (NM_001413040.1, NM_001413021.1, NM_001413024.1 and 6 more transcripts); c.592-3C>T (NM_001413043.1); c.790-3C>T (NM_001413031.1); c.922-3C>T (NM_001413030.1, NM_001413041.1, NM_001413032.1 and 1 more transcripts); c.958-3C>T (NM_001413042.1); c.856-3C>T (NM_001413037.1); c.1930-3C>T (NM_001413025.1); and 4 more.
Identifiers: ClinVar variation 2757209 (VCV002757209.3), dbSNP rs2130684874, ClinGen allele CA2697550251.